The following is an entry in ClinVar:

NM_015512.5(DNAH1):c.2744A>G (p.Asn915Ser)

Gene: DNAH1 (dynein axonemal heavy chain 1; plus strand). Cytogenetic location: 3p21.1.
Variant type: single nucleotide variant.
Coding change: c.2744A>G on transcript NM_015512.5 (MANE Select); coding-DNA position 2744, A replaced by G.
Protein change: p.Asn915Ser; replaces asparagine 915 with serine.
Molecular consequence: missense variant.
Genome position (GRCh38, 1-based): chr3:52,351,976, A>G. VCF-style: chr3-52351976-A-G. GRCh37 (hg19) VCF-style: chr3-52385992-A-G.
Other names: p.Asn915Ser; short protein forms N915S.
Identifiers: ClinVar variation 478434 (VCV000478434.21), dbSNP rs61734643, ClinGen allele CA2433379.

ClinVar aggregate classification (germline): Benign/Likely benign. Review status: criteria provided, multiple submitters, no conflicts (2 of 4 stars). 5 submissions from 5 submitters: Benign (2); Likely benign (3). Last evaluated 2026-01-27.

Conditions:
Spermatogenic failure 18. Identifiers: MedGen C4539783, MONDO:0054615, OMIM 617576.
Ciliary dyskinesia, primary, 37 (CILD37). Also called: CILIARY DYSKINESIA, PRIMARY, 37, WITH OR WITHOUT SITUS INVERSUS. Identifiers: MedGen C4539798, MONDO:0033204, OMIM 617577.

Allele frequency attached by ClinVar (database versions not stated): ESP Exome Variant Server 0.00275; TOPMed 0.00291; gnomAD 0.00302 and 0.00378; gnomAD exomes 0.00555 and 0.00576; 1000 Genomes Project 30x 0.00703; 1000 Genomes Project 0.00779; ExAC 0.00984.
gnomAD v4.1: 8,913 of 1,602,576 alleles (0.56%); highest among the groups gnomAD compares: South Asian, 2.3%; 69 homozygotes.

Submissions (5):

Labcorp Genetics (formerly Invitae), Labcorp
Classification: Benign for Ciliary dyskinesia, primary, 37; Spermatogenic failure 18. Last evaluated: 2026-01-27. Review status: criteria provided, single submitter. Criteria: Invitae Variant Classification Sherloc (09022015). Collection method: clinical testing. Allele origin: germline.

ARUP Laboratories, Molecular Genetics and Genomics, ARUP Laboratories
Classification: Benign. Last evaluated: 2025-06-24. Review status: criteria provided, single submitter. Criteria: ARUP Molecular Germline Variant Investigation Process 2024. Collection method: clinical testing. Allele origin: germline.

Mayo Clinic Laboratories, Mayo Clinic
Classification: Likely benign. Last evaluated: 2024-12-03. Review status: criteria provided, single submitter. Criteria: ACMG Guidelines, 2015. Collection method: clinical testing. Allele origin: germline. Observed: 4 variant alleles.
Comment: BS1, BS2_supporting, BP4

GeneDx
Classification: Likely benign. Last evaluated: 2018-07-09. Review status: criteria provided, single submitter. Criteria: GeneDx Variant Classification Process June 2021. Collection method: clinical testing. Allele origin: germline. Affected: yes.

Breakthrough Genomics
Classification: Likely benign. Review status: criteria provided, single submitter. Criteria: ACMG Guidelines, 2015. Collection method: not provided. Allele origin: germline. Inheritance: Autosomal recessive inheritance. Affected: yes.